The following is an entry in ClinVar:

NM_007294.4(BRCA1):c.4676-7C>T

Gene: BRCA1 (BRCA1 DNA repair associated; minus strand). Cytogenetic location: 17q21.31.
Variant type: single nucleotide variant.
Coding change: c.4676-7C>T on transcript NM_007294.4 (MANE Select); 7 bases into the intron before coding-DNA position 4676, C replaced by T.
Molecular consequence: intron variant.
Genome position (GRCh38, 1-based): chr17:43,071,245, G>A on the plus strand (C>T on the coding strand, the complement: BRCA1 is on the minus strand). VCF-style: chr17-43071245-G-A. GRCh37 (hg19) VCF-style: chr17-41223262-G-A.
Other names: IVS15-7C>T; c.4592-7C>T (NM_001407662.1, NM_001407660.1, NM_001407661.1 and 2 more transcripts); c.1286-7C>T (NM_001408412.1, NM_001408413.1, NM_001408416.1 and 2 more transcripts); c.4595-7C>T (NM_001407656.1, NM_001407657.1, NM_001407658.1); c.4598-7C>T (NM_001407654.1, NM_001407653.1, NM_001407655.1); c.1025-7C>T (NM_001408509.1); c.1028-7C>T (NM_001408508.1); c.1154-7C>T (NM_001408491.1, NM_001408481.1, NM_001408490.1 and 5 more transcripts); and 72 more.
Identifiers: ClinVar variation 37606 (VCV000037606.30), dbSNP rs80358005, ClinGen allele CA002970.
Genomic context (GRCh38, chr17:43,071,245, plus strand): 5'-ATTCAGGGTCATCAGAGAAGAGGCTGATTCCAGATTCCAGGTAAGGGGTTCCCTCTGAAA[G>A]GAATGGGAGAAGTTTAATTTACACAACGATGAATGTTGAATTACAAAGTTCTGGTCTCTG-3'

ClinVar aggregate classification (germline): Benign/Likely benign. Review status: criteria provided, multiple submitters, no conflicts (2 of 4 stars). 13 submissions from 13 submitters: Benign (3); Likely benign (7). 3 of the submissions do not count toward it. Last evaluated 2026-01-07.

Conditions:
BRCA1-related disorder. Also called: BRCA1-related condition.
Hereditary cancer-predisposing syndrome. Also called: Tumor predisposition; Neoplastic Syndromes, Hereditary; Hereditary Cancer Syndrome; Hereditary neoplastic syndrome. Identifiers: Orphanet 140162, MedGen C0027672, MeSH D009386, MONDO:0015356.
Hereditary breast ovarian cancer syndrome. Also called: Hereditary breast and ovarian cancer syndrome (HBOC); Hereditary breast and ovarian cancer syndrome; Hereditary breast and ovarian cancer; Hereditary breast and/or ovarian cancer syndrome; Breast and ovarian cancer; BRCA1- and BRCA2-Associated Hereditary Breast and Ovarian Cancer. Identifiers: Orphanet 145, MedGen C0677776, MeSH D061325, MONDO:0003582. Disease mechanism: loss of function.
Breast-ovarian cancer, familial, susceptibility to, 1 (BROVCA1). Also called: OVARIAN CANCER, SUSCEPTIBILITY TO; BRCA1 Hereditary Breast and Ovarian Cancer. Identifiers: Orphanet 145, MedGen C2676676, MONDO:0011450, OMIM 604370. Disease mechanism: loss of function.

Allele frequency attached by ClinVar (database versions not stated): TOPMed 0.00002; gnomAD exomes 0.00004 and 0.00006; gnomAD 0.00001 and 0.00002.
gnomAD v4.1: 83 of 1,613,304 alleles (0.0051%); highest among the groups gnomAD compares: Non-Finnish European, 0.007%; no homozygotes.

Submissions (13):

Labcorp Genetics (formerly Invitae), Labcorp
Classification: Likely benign for Hereditary breast ovarian cancer syndrome. Last evaluated: 2026-01-07. Review status: criteria provided, single submitter. Criteria: Invitae Variant Classification Sherloc (09022015). Collection method: clinical testing. Allele origin: germline.

Women's Health and Genetics/Laboratory Corporation of America, LabCorp
Classification: Likely benign. Last evaluated: 2025-10-27. Review status: criteria provided, single submitter. Criteria: LabCorp Variant Classification Summary - May 2015. Collection method: clinical testing. Allele origin: germline.
Comment: Variant summary: BRCA1 c.4676-7C>T alters a nucleotide located at a position not widely known to affect splicing. Consensus agreement among computation tools predict no significant impact on normal splicing. However, these predictions have yet to be confirmed by functional studies. The variant allele was found at a frequency of 3.6e-05 in 249608 control chromosomes. The available data on variant occurrences in the general population are insufficient to allow any conclusion about variant significance. c.4676-7C>T has been reported in individuals affected with Hereditary Breast and Ovarian Cancer (Judkins 2005, Byers 2016), however without strong evidence for causality. These report(s) do not provide unequivocal conclusions about association of the variant with Hereditary Breast And Ovarian Cancer Syndrome. Co-occurrences with other pathogenic variant(s) have been reported (ATM c.7271T>G, p.Val2424Gly, Byers_2016), providing supporting evidence for a benign role. To our knowledge, no experimental evidence demonstrating an impact on protein function has been reported. The following publications have been ascertained in the context of this evaluation (PMID: 16267036, 21990134, 17924331, 27273131). ClinVar contains an entry for this variant (Variation ID: 37606). Based on the evidence outlined above, the variant was classified as likely benign.

PreventionGenetics, part of Exact Sciences
Classification: Likely benign for BRCA1-related condition. Last evaluated: 2025-06-30. Review status: criteria provided, single submitter. Criteria: ACMG Guidelines, 2015. Collection method: clinical testing. Allele origin: germline.
Comment: This variant is classified as likely benign based on ACMG/AMP sequence variant interpretation guidelines (Richards et al. 2015 PMID: 25741868, with internal and published modifications).

All of Us Research Program, National Institutes of Health
Classification: Benign for Breast-ovarian cancer, familial, susceptibility to, 1. Last evaluated: 2023-03-23. Review status: criteria provided, single submitter. Criteria: ACMG Guidelines, 2015. Collection method: clinical testing. Allele origin: germline. Inheritance: Autosomal dominant inheritance. Observed: 1 variant allele, 1 heterozygote.
Comment: This study involves interpretation of variants in research participants for the purpose of population health screening. Participant phenotype was not available at the time of variant classification. Additional details can be found in publication PMID: 35346344, PMCID: PMC8962531

Blueprint Genetics
Classification: Likely benign. Last evaluated: 2021-12-08. Review status: criteria provided, single submitter. Criteria: ACMG Guidelines, 2015. Collection method: clinical testing. Allele origin: germline.

ARUP Laboratories, Molecular Genetics and Genomics, ARUP Laboratories
Classification: Likely benign. Last evaluated: 2021-09-18. Review status: criteria provided, single submitter. Criteria: ARUP Molecular Germline Variant Investigation Process 2021. Collection method: clinical testing. Allele origin: germline.

Sema4
Classification: Likely benign for Hereditary cancer-predisposing syndrome. Last evaluated: 2021-09-16. Review status: criteria provided, single submitter. Criteria: Sema4 Curation Guidelines. Collection method: curation. Allele origin: germline.

Quest Diagnostics Nichols Institute San Juan Capistrano
Classification: Likely benign. Last evaluated: 2021-05-19. Review status: criteria provided, single submitter. Criteria: Quest Diagnostics criteria. Collection method: clinical testing. Allele origin: unknown.

Color Diagnostics, LLC DBA Color Health
Classification: Benign for Hereditary cancer-predisposing syndrome. Last evaluated: 2016-12-19. Review status: criteria provided, single submitter. Criteria: ACMG Guidelines, 2015. Collection method: clinical testing. Allele origin: germline.

GeneDx
Classification: Benign. Last evaluated: 2014-08-20. Review status: criteria provided, single submitter. Criteria: GeneDx Variant Classification (06012015). Collection method: clinical testing. Allele origin: germline. Affected: yes.
Comment: This variant is considered likely benign or benign based on one or more of the following criteria: it is a conservative change, it occurs at a poorly conserved position in the protein, it is predicted to be benign by multiple in silico algorithms, and/or has population frequency not consistent with disease.

Counsyl
Classification: Likely benign for Breast-ovarian cancer, familial 1. Last evaluated: 2014-01-02. Review status: no assertion criteria provided. Collection method: literature only. Allele origin: unknown. Inheritance: Autosomal dominant inheritance. Not counted in ClinVar's aggregate classification.

Sharing Clinical Reports Project (SCRP)
Classification: Likely benign for Breast-ovarian cancer, familial 1. Last evaluated: 2012-03-22. Review status: no assertion criteria provided. Collection method: clinical testing. Allele origin: germline. Not counted in ClinVar's aggregate classification.

Breast Cancer Information Core (BIC) (BRCA1)
Classification: Uncertain significance for Breast-ovarian cancer, familial 1. Last evaluated: 2000-06-12. Review status: no assertion criteria provided. Collection method: clinical testing. Allele origin: germline. Affected: yes. Observed: 2 variant alleles. Not counted in ClinVar's aggregate classification.

Literature cited by the submitters: PubMed 16267036 (cited by Women's Health and Genetics/Laboratory Corporation of America, LabCorp and Quest Diagnostics Nichols Institute San Juan Capistrano); PubMed 21990134 (cited by Women's Health and Genetics/Laboratory Corporation of America, LabCorp and Quest Diagnostics Nichols Institute San Juan Capistrano); PubMed 17924331 (cited by 3 submitters); PubMed 27273131 (cited by Women's Health and Genetics/Laboratory Corporation of America, LabCorp and Quest Diagnostics Nichols Institute San Juan Capistrano).